The following is an entry in ClinVar:

ClinVar aggregate classification (germline): Uncertain significance. Review status: criteria provided, multiple submitters, no conflicts (2 of 4 stars). 2 submissions from 2 submitters: Uncertain significance (2). Last evaluated 2023-02-27.

Conditions:
Inborn genetic diseases. Identifiers: MedGen C0950123, MeSH D030342.
Mucopolysaccharidosis, MPS-III-A (MPS3A). Also called: HEPARAN SULFATE SULFATASE DEFICIENCY; SANFILIPPO SYNDROME A; SULFAMIDASE DEFICIENCY; MPS III A; MPS IIIA (Sanfilippo Syndrome Type A); Mucopolysaccharidosis type IIIA (Sanfilippo A). Identifiers: Orphanet 581, Orphanet 79269, MedGen C0086647, MONDO:0009655, OMIM 252900.

Allele frequency attached by ClinVar (database versions not stated): ExAC 0.00001; gnomAD exomes 0.00001; gnomAD 0.00001; TOPMed 0.00001.
gnomAD v4.1: 18 of 1,601,672 alleles (0.0011%); highest among the groups gnomAD compares: East Asian, 0.0067%; no homozygotes.

Submissions (2):

Ambry Genetics
Classification: Uncertain significance for Inborn genetic diseases. Last evaluated: 2023-02-27. Review status: criteria provided, single submitter. Criteria: Ambry Variant Classification Scheme 2023. Collection method: clinical testing. Allele origin: germline.

Labcorp Genetics (formerly Invitae), Labcorp
Classification: Uncertain significance for Mucopolysaccharidosis, MPS-III-A. Last evaluated: 2022-06-20. Review status: criteria provided, single submitter. Criteria: Invitae Variant Classification Sherloc (09022015). Collection method: clinical testing. Allele origin: germline.
Comment: This sequence change replaces alanine, which is neutral and non-polar, with threonine, which is neutral and polar, at codon 39 of the SGSH protein (p.Ala39Thr). The frequency data for this variant in the population databases is considered unreliable, as metrics indicate poor data quality at this position in the gnomAD database. This variant has not been reported in the literature in individuals affected with SGSH-related conditions. Advanced modeling of protein sequence and biophysical properties (such as structural, functional, and spatial information, amino acid conservation, physicochemical variation, residue mobility, and thermodynamic stability) performed at Invitae indicates that this missense variant is expected to disrupt SGSH protein function. In summary, the available evidence is currently insufficient to determine the role of this variant in disease. Therefore, it has been classified as a Variant of Uncertain Significance.

NM_000199.5(SGSH):c.115G>A (p.Ala39Thr)

Gene: SGSH (N-sulfoglucosamine sulfohydrolase; minus strand). Cytogenetic location: 17q25.3.
Variant type: single nucleotide variant.
Coding change: c.115G>A on transcript NM_000199.5 (MANE Select); coding-DNA position 115, G replaced by A.
Protein change: p.Ala39Thr; replaces alanine 39 with threonine.
Molecular consequence: missense variant. On other transcripts: non-coding transcript variant (1).
Genome position (GRCh38, 1-based): chr17:80,217,166, C>T on the plus strand (G>A on the coding strand, the complement: SGSH is on the minus strand). VCF-style: chr17-80217166-C-T. GRCh37 (hg19) VCF-style: chr17-78190965-C-T.
Other names: c.115G>A (NM_000199.3); c.115G>A, p.Ala39Thr (NM_001352921.3, NM_001352922.2); short protein forms A39T.
Identifiers: ClinVar variation 1437170 (VCV001437170.6), dbSNP rs773137508, ClinGen allele CA8818170.